The following is an entry in ClinVar:

ClinVar aggregate classification (germline): Uncertain significance (1 of 4 stars; one submission).

Allele frequency attached by ClinVar (database versions not stated): gnomAD exomes below 0.00001; TOPMed 0.00001.
gnomAD v4.1: 2 of 1,613,142 alleles (0.00012%); highest among the groups gnomAD compares: Admixed American, 0.0033%; no homozygotes.

Submission:

Labcorp Genetics (formerly Invitae), Labcorp
Classification: Uncertain significance. Last evaluated: 2022-08-11. Review status: criteria provided, single submitter. Criteria: Invitae Variant Classification Sherloc (09022015). Collection method: clinical testing. Allele origin: germline.
Comment: Algorithms developed to predict the effect of missense changes on protein structure and function (SIFT, PolyPhen-2, Align-GVGD) all suggest that this variant is likely to be tolerated. In summary, the available evidence is currently insufficient to determine the role of this variant in disease. Therefore, it has been classified as a Variant of Uncertain Significance. This variant has not been reported in the literature in individuals affected with SNX10-related conditions. This variant is present in population databases (no rsID available, gnomAD 0.006%). This sequence change replaces aspartic acid, which is acidic and polar, with glycine, which is neutral and non-polar, at codon 160 of the SNX10 protein (p.Asp160Gly).

NM_013322.3(SNX10):c.479A>G (p.Asp160Gly)

Gene: SNX10 (sorting nexin 10; plus strand). Cytogenetic location: 7p15.2.
Variant type: single nucleotide variant.
Coding change: c.479A>G on transcript NM_013322.3 (MANE Select); coding-DNA position 479, A replaced by G.
Protein change: p.Asp160Gly; replaces aspartic acid 160 with glycine.
Molecular consequence: missense variant.
Genome position (GRCh38, 1-based): chr7:26,371,988, A>G. VCF-style: chr7-26371988-A-G. GRCh37 (hg19) VCF-style: chr7-26411608-A-G.
Other names: c.557A>G, p.Asp186Gly (NM_001318198.1, NM_001362753.1, NM_001362754.1); c.479A>G, p.Asp160Gly (NM_001318199.3, NM_001199835.1); c.470A>G, p.Asp157Gly (NM_001199837.3); c.227A>G, p.Asp76Gly (NM_001199838.2); short protein forms D157G, D76G, D186G, D160G.
Identifiers: ClinVar variation 1959424 (VCV001959424.3), dbSNP rs1209170123, ClinGen allele CA367228871.
Genomic context (GRCh38, chr7:26,371,988, plus strand): 5'-ACTCTGTGGAAGAAGCAATTCACAAGTTTGCCTTAATGAATAGACGTTTCCCTGAAGAAG[A>G]TGAAGAAGGAAAAAAAGAAAATGATATAGATTATGATTCAGAAAGGTATTTCCTTGCATT-3'
Protein context (NP_037454.2, residues 150-170): ALMNRRFPEE[Asp160Gly]EEGKKENDID